The following is an entry in ClinVar:

NM_001267550.2(TTN):c.73975G>A (p.Gly24659Ser)

Genes: TTN-AS1 (TTN antisense RNA 1; plus strand), TTN (titin; minus strand). Cytogenetic location: 2q31.2.
Variant type: single nucleotide variant.
Coding change: c.73975G>A on transcript NM_001267550.2 (MANE Select); coding-DNA position 73975, G replaced by A.
Protein change: p.Gly24659Ser; replaces glycine 24659 with serine.
Molecular consequence: missense variant.
Genome position (GRCh38, 1-based): chr2:178,572,157, C>T on the plus strand (G>A on the coding strand, the complement: TTN is on the minus strand). VCF-style: chr2-178572157-C-T. GRCh37 (hg19) VCF-style: chr2-179436884-C-T.
Other names: c.69052G>A, p.Gly23018Ser (NM_001256850.1); c.46780G>A, p.Gly15594Ser (NM_003319.4); c.66271G>A, p.Gly22091Ser (NM_133378.4); c.47155G>A, p.Gly15719Ser (NM_133432.3); c.47356G>A, p.Gly15786Ser (NM_133437.4); short protein forms G24659S, G22091S, G15594S, G15719S, G23018S, G15786S.
Identifiers: ClinVar variation 467463 (VCV000467463.5), dbSNP rs776423108, ClinGen allele CA1990283.
Genomic context (GRCh38, chr2:178,572,157, plus strand): 5'-ATCCAGTGATAGTGGCTTCAGTGACCTTGACTGTGGCACACGTGGCCCATTTGTCACTGC[C>T]TTTGGTCTGCATCTCCACAATGTAGCCTAGAATTCGGCTGCCTCCATCATGCTCTGGTTT-3'
Protein context (NP_001254479.2, residues 24649-24669): LGYIVEMQTK[Gly24659Ser]SDKWATCATV

ClinVar aggregate classification (germline): Uncertain significance. Review status: criteria provided, multiple submitters, no conflicts (2 of 4 stars). 2 submissions from 2 submitters: Uncertain significance (2). Last evaluated 2019-12-16.

Conditions:
Autosomal recessive limb-girdle muscular dystrophy type 2J (LGMDR10). Also called: Limb-girdle muscular dystrophy, type 2J; MUSCULAR DYSTROPHY, LIMB-GIRDLE, AUTOSOMAL RECESSIVE 10. Identifiers: Orphanet 140922, MedGen C1837342, MONDO:0012127, OMIM 608807.
Dilated cardiomyopathy 1G (CMD1G). Identifiers: Orphanet 154, MedGen C1858763, MONDO:0011400, OMIM 604145.
Cardiovascular phenotype. Identifiers: MedGen CN230736.

Allele frequency attached by ClinVar (database versions not stated): gnomAD exomes 0.00001; gnomAD 0.00002 and 0.00003; ExAC 0.00003; TOPMed 0.00003.
gnomAD v4.1: 3 of 1,613,336 alleles (0.00019%); highest among the groups gnomAD compares: African/African-American, 0.004%; no homozygotes.

Submissions (2):

Ambry Genetics
Classification: Uncertain significance for Cardiovascular phenotype. Last evaluated: 2019-12-16. Review status: criteria provided, single submitter. Criteria: Ambry Variant Classification Scheme 2023. Collection method: clinical testing. Allele origin: germline.
Comment: The p.G15594S variant (also known as c.46780G>A), located in coding exon 153 of the TTN gene, results from a G to A substitution at nucleotide position 46780. The glycine at codon 15594 is replaced by serine, an amino acid with similar properties. This amino acid position is well conserved in available vertebrate species. In addition, this alteration is predicted to be tolerated by in silico analysis. Since supporting evidence is limited at this time, the clinical significance of this alteration remains unclear.

Labcorp Genetics (formerly Invitae), Labcorp
Classification: Uncertain significance for Dilated cardiomyopathy 1G; Autosomal recessive limb-girdle muscular dystrophy type 2J. Last evaluated: 2017-05-16. Review status: criteria provided, single submitter. Criteria: Invitae Variant Classification Sherloc (09022015). Collection method: clinical testing. Allele origin: germline.